The following is an entry in ClinVar:

ClinVar aggregate classification (germline): Uncertain significance (1 of 4 stars; one submission).

Allele frequency attached by ClinVar (database versions not stated): gnomAD exomes below 0.00001; TOPMed below 0.00001; gnomAD 0.00002.
gnomAD v4.1: 4 of 1,613,266 alleles (0.00025%); highest among the groups gnomAD compares: African/African-American, 0.0053%; no homozygotes.

Submission:

Labcorp Genetics (formerly Invitae), Labcorp
Classification: Uncertain significance. Last evaluated: 2023-02-10. Review status: criteria provided, single submitter. Criteria: Invitae Variant Classification Sherloc (09022015). Collection method: clinical testing. Allele origin: germline.
Comment: This sequence change replaces leucine, which is neutral and non-polar, with isoleucine, which is neutral and non-polar, at codon 340 of the LCT protein (p.Leu340Ile). This variant is present in population databases (no rsID available, gnomAD 0.01%). This variant has not been reported in the literature in individuals affected with LCT-related conditions. An algorithm developed to predict the effect of missense changes on protein structure and function (PolyPhen-2) suggests that this variant is likely to be tolerated. In summary, the available evidence is currently insufficient to determine the role of this variant in disease. Therefore, it has been classified as a Variant of Uncertain Significance.

NM_002299.4(LCT):c.1018C>A (p.Leu340Ile)

Genes: LCT (lactase; minus strand), LOC126806353 (BRD4-independent group 4 enhancer GRCh37_chr2:136574960-136576159; plus strand). Cytogenetic location: 2q21.3.
Variant type: single nucleotide variant.
Coding change: c.1018C>A on transcript NM_002299.4 (MANE Select); coding-DNA position 1018, C replaced by A.
Protein change: p.Leu340Ile; replaces leucine 340 with isoleucine.
Molecular consequence: missense variant.
Genome position (GRCh38, 1-based): chr2:135,818,030, G>T on the plus strand (C>A on the coding strand, the complement: LCT is on the minus strand). VCF-style: chr2-135818030-G-T. GRCh37 (hg19) VCF-style: chr2-136575600-G-T.
Other names: short protein forms L340I.
Identifiers: ClinVar variation 3010042 (VCV003010042.3), dbSNP rs1221877462, ClinGen allele CA348607287.